The following is an entry in ClinVar:

NM_199242.3(UNC13D):c.1389+1G>A

Gene: UNC13D (unc-13 homolog D; minus strand). Cytogenetic location: 17q25.1.
Variant type: single nucleotide variant.
Coding change: c.1389+1G>A on transcript NM_199242.3 (MANE Select); the canonical splice donor site of the intron after coding-DNA position 1389, G replaced by A.
Molecular consequence: splice donor variant.
Genome position (GRCh38, 1-based): chr17:75,836,338, C>T on the plus strand (G>A on the coding strand, the complement: UNC13D is on the minus strand). VCF-style: chr17-75836338-C-T. GRCh37 (hg19) VCF-style: chr17-73832419-C-T.
Other names: IVS15DS, G-A, +1.
Identifiers: ClinVar variation 1999 (VCV000001999.31), dbSNP rs777759523, ClinGen allele CA252030.

ClinVar aggregate classification (germline): Pathogenic. Review status: criteria provided, multiple submitters, no conflicts (2 of 4 stars). 11 submissions from 11 submitters: Pathogenic (10). 1 of the submissions does not count toward it. Last evaluated 2025-11-18.

Conditions:
UNC13D-related disorder. Also called: UNC13D-related condition.
Autoinflammatory syndrome. Identifiers: Orphanet 93665, MedGen C3890737, MONDO:0019751.
Familial hemophagocytic lymphohistiocytosis 3 (FHL3). Also called: UNC13D-Related Familial Hemophagocytic Lymphohistiocytosis (UNC13D-fHLH). Identifiers: Orphanet 540, MedGen C1837174, MONDO:0012146, OMIM 608898.

Allele frequency attached by ClinVar (database versions not stated): ExAC 0.00005; gnomAD 0.00006; TOPMed 0.00006; gnomAD exomes 0.00007.

Submissions (12):

Labcorp Genetics (formerly Invitae), Labcorp
Classification: Pathogenic for Familial hemophagocytic lymphohistiocytosis 3. Last evaluated: 2025-11-18. Review status: criteria provided, single submitter. Criteria: Invitae Variant Classification Sherloc (09022015). Collection method: clinical testing. Allele origin: germline.
Comment: This sequence change affects a donor splice site in intron 15 of the UNC13D gene. It is expected to disrupt RNA splicing. Variants that disrupt the donor or acceptor splice site typically lead to a loss of protein function (PMID: 16199547), and loss-of-function variants in UNC13D are known to be pathogenic (PMID: 14622600). This variant is present in population databases (rs777759523, gnomAD 0.01%). Disruption of this splice site has been observed in individual(s) with familial hemophagocytic lymphohistiocytosis (PMID: 14622600, 18492689, 19704116, 21248318, 25573973). In at least one individual the data is consistent with being in trans (on the opposite chromosome) from a pathogenic variant. ClinVar contains an entry for this variant (Variation ID: 1999). Algorithms developed to predict the effect of sequence changes on RNA splicing suggest that this variant may disrupt the consensus splice site. For these reasons, this variant has been classified as Pathogenic.

PreventionGenetics, part of Exact Sciences
Classification: Pathogenic for UNC13D-related condition. Last evaluated: 2025-02-07. Review status: criteria provided, single submitter. Criteria: ACMG Guidelines, 2015. Collection method: clinical testing. Allele origin: germline.
Comment: The UNC13D c.1389+1G>A variant is predicted to disrupt the GT donor site and interfere with normal splicing. This variant has been reported in the homozygous and compound heterozygous states in individuals with familial hemophagocytic lymphohistiocytosis (Feldmann et al. 2003. PubMed ID: 14622600; Nakamura et al. 2015. PubMed ID: 25573973). This variant is reported in 0.015% of alleles in individuals of European (Non-Finnish) descent in gnomAD. Variants that disrupt the consensus splice donor site in UNC13D are expected to be pathogenic. This variant is interpreted as pathogenic.

Blueprint Genetics
Classification: Pathogenic for UNC13D-related disorders. Last evaluated: 2024-10-17. Review status: criteria provided, single submitter. Criteria: ACMG Guidelines, 2015. Collection method: clinical testing. Allele origin: germline. Affected: yes. Observed: 5 variant alleles.

Institute of Human Genetics, University of Leipzig Medical Center
Classification: Pathogenic for Familial hemophagocytic lymphohistiocytosis 3. Last evaluated: 2024-01-15. Review status: criteria provided, single submitter. Criteria: ACMG Guidelines, 2015. Collection method: clinical testing. Allele origin: paternal. Affected: yes.
Comment: Criteria applied: PVS1,PS4_MOD,PM2_SUP

GeneDx
Classification: Pathogenic. Last evaluated: 2023-10-12. Review status: criteria provided, single submitter. Criteria: GeneDx Variant Classification Process June 2021. Collection method: clinical testing. Allele origin: germline. Affected: yes.
Comment: Canonical splice site variant predicted to result in a null allele in a gene for which loss of function is a known mechanism of disease; This variant is associated with the following publications: (PMID: 19704116, 25573973, 25525159, 24916509, 30487145, 32542393, 14622600)

Department of Pathology and Laboratory Medicine, Sinai Health System
Classification: Pathogenic for familial hemophagocytic lymphohistiocytosis 3. Last evaluated: 2022-07-15. Review status: criteria provided, single submitter. Criteria: ACMG Guidelines, 2015. Collection method: research. Allele origin: germline.

Genome Diagnostics Laboratory, The Hospital for Sick Children
Classification: Pathogenic for Autoinflammatory syndrome. Last evaluated: 2020-11-18. Review status: criteria provided, single submitter. Criteria: ACMG Guidelines, 2015. Collection method: clinical testing. Allele origin: germline. Affected: yes.

Fulgent Genetics
Classification: Pathogenic for Familial hemophagocytic lymphohistiocytosis 3. Last evaluated: 2018-10-31. Review status: criteria provided, single submitter. Criteria: ACMG Guidelines, 2015. Collection method: clinical testing. Allele origin: unknown.

Eurofins Ntd Llc (ga)
Classification: Pathogenic. Last evaluated: 2018-05-16. Review status: criteria provided, single submitter. Criteria: EGL ClinVar v180209 classification definitions. Collection method: clinical testing. Allele origin: germline. Observed: 1 variant allele, 1 heterozygote.

Illumina Laboratory Services, Illumina
Classification: Pathogenic for Familial hemophagocytic lymphohistiocytosis 3. Last evaluated: 2017-04-27. Review status: criteria provided, single submitter. Criteria: ICSL Variant Classification Criteria 09 May 2019. Collection method: clinical testing. Allele origin: germline.
Comment: The UNC13D c.1389+1G>A variant occurs in a canonical splice site (donor) and is therefore predicted to disrupt or distort the normal gene product. The variant has been reported in six studies in which it is found in a total of ten individuals with familial hemophagocytic lymphohistiocytosis, including two siblings in a homozygous state, seven individuals in a compound heterozygous state, and one in a heterozygous state in whom a second variant was not detected (Feldmann et al. 2003; Zur Stadt et al. 2006; Santoro et al. 2008; Wood et al. 2009; Sieni et al. 2011; Nakamura et al. 2015). The variant was absent from ten controls but is reported at a frequency of 0.00009 in the European (non-Finnish) population of the Exome Aggregation Consortium. Due to the potential impact of splice donor variants and the supporting evidence from the literature, the c.1389+1G>A variant is classified as pathogenic for familial hemophagocytic lymphohistiocytosis. This variant was observed by ICSL as part of a predisposition screen in an ostensibly healthy population.

OMIM
Classification: Pathogenic for HEMOPHAGOCYTIC LYMPHOHISTIOCYTOSIS, FAMILIAL, 3. Last evaluated: 2003-11-14. Review status: no assertion criteria provided. Collection method: literature only. Allele origin: germline. Not counted in ClinVar's aggregate classification.

Dr. Peter K. Rogan Lab, Western University
No classification provided (evidence only). Condition: Colon adenocarcinoma. Review status: no classification provided. Collection method: in vitro. Allele origin: not applicable. Functional consequence: retained intron. Not counted in ClinVar's aggregate classification.

Literature cited by the submitters: PubMed 16199547 (cited by Labcorp Genetics (formerly Invitae), Labcorp); PubMed 14622600 (cited by 4 submitters); PubMed 18492689 (cited by 3 submitters); PubMed 19704116 (cited by Labcorp Genetics (formerly Invitae), Labcorp and Illumina Laboratory Services, Illumina); PubMed 21248318 (cited by Labcorp Genetics (formerly Invitae), Labcorp and Illumina Laboratory Services, Illumina); PubMed 25573973 (cited by 3 submitters); PubMed 16278825 (cited by Illumina Laboratory Services, Illumina).